The following is an entry in ClinVar:

NM_020975.6(RET):c.802T>G (p.Ser268Ala)

Gene: RET (ret proto-oncogene; plus strand). Cytogenetic location: 10q11.21.
Variant type: single nucleotide variant.
Coding change: c.802T>G on transcript NM_020975.6 (MANE Select); coding-DNA position 802, T replaced by G.
Protein change: p.Ser268Ala; replaces serine 268 with alanine.
Molecular consequence: missense variant. On other transcripts: intron variant (22).
Genome position (GRCh38, 1-based): chr10:43,105,128, T>G. VCF-style: chr10-43105128-T-G. GRCh37 (hg19) VCF-style: chr10-43600576-T-G.
Other names: c.802T>G, p.Ser268Ala (NM_000323.2, NM_001406743.1, NM_001406744.1 and 8 more transcripts); c.40T>G, p.Ser14Ala (NM_001355216.2); c.673T>G, p.Ser225Ala (NM_001406761.1, NM_001406762.1, NM_001406764.1 and 2 more transcripts); c.514T>G, p.Ser172Ala (NM_001406766.1, NM_001406767.1, NM_001406770.1); c.625+2499T>G (NM_001406773.1, NM_001406771.1, NM_001406782.1 and 5 more transcripts); c.496+2499T>G (NM_001406786.1, NM_001406783.1); c.338-3903T>G (NM_001406778.1, NM_001406775.1, NM_001406776.1 and 1 more transcripts); c.337+4406T>G (NM_001406790.1, NM_001406788.1, NM_001406789.1 and 1 more transcripts); and 2 more; short protein forms S14A, S225A, S268A, S172A.
Identifiers: ClinVar variation 2568343 (VCV002568343.2), dbSNP rs2538389217, ClinGen allele CA376545144.
Genomic context (GRCh38, chr10:43,105,128, plus strand): 5'-GGCGCGCGCGAGGAGGTGGTGATGGTGCCCTTCCCGGTGACCGTGTACGACGAGGACGAC[T>G]CGGCGCCCACCTTCCCCGCGGGCGTCGACACCGCCAGCGCCGTGGTGGAGTTCAAGCGGA-3'
Protein context (NP_066124.1, residues 258-278): FPVTVYDEDD[Ser268Ala]APTFPAGVDT

ClinVar aggregate classification (germline): Uncertain significance (1 of 4 stars; one submission).

Conditions:
Hereditary cancer-predisposing syndrome. Also called: Hereditary neoplastic syndrome; Hereditary Cancer Syndrome; Neoplastic Syndromes, Hereditary; Tumor predisposition. Identifiers: Orphanet 140162, MedGen C0027672, MeSH D009386, MONDO:0015356.

Allele frequency attached by ClinVar (database versions not stated): gnomAD exomes below 0.00001.
gnomAD v4.1: 1 of 1,612,492 alleles (0.000062%); highest among the groups gnomAD compares: Non-Finnish European, 0.000085%; no homozygotes.

Submission:

Ambry Genetics
Classification: Uncertain significance for Hereditary cancer-predisposing syndrome. Last evaluated: 2023-05-05. Review status: criteria provided, single submitter. Criteria: Ambry Variant Classification Scheme 2023. Collection method: clinical testing. Allele origin: germline.
Comment: The p.S268A variant (also known as c.802T>G), located in coding exon 4 of the RET gene, results from a T to G substitution at nucleotide position 802. The serine at codon 268 is replaced by alanine, an amino acid with similar properties. This amino acid position is conserved. In addition, this alteration is predicted to be tolerated by in silico analysis. Since supporting evidence is limited at this time, the clinical significance of this alteration remains unclear.